The following is an entry in ClinVar:

NM_001276270.2(MBD4):c.885A>G (p.Ala295=)

Gene: MBD4 (methyl-CpG binding domain 4, DNA glycosylase; minus strand). Cytogenetic location: 3q21.3.
Variant type: single nucleotide variant.
Coding change: c.885A>G on transcript NM_001276270.2 (MANE Select); coding-DNA position 885, A replaced by G.
Protein change: p.Ala295=; no amino-acid change (alanine 295 retained).
Molecular consequence: synonymous variant. On other transcripts: intron variant (1).
Genome position (GRCh38, 1-based): chr3:129,436,759, T>C on the plus strand (A>G on the coding strand, the complement: MBD4 is on the minus strand). VCF-style: chr3-129436759-T-C. GRCh37 (hg19) VCF-style: chr3-129155602-T-C.
Other names: c.885A>G, p.Ala295= (NM_001276271.2, NM_001276272.2, NM_003925.3); c.247+1049A>G (NM_001276273.2).
Identifiers: ClinVar variation 2902408 (VCV002902408.5), dbSNP rs771308576, ClinGen allele CA2605451.
Genomic context (GRCh38, chr3:129,436,759, plus strand): 5'-TCTTTCTTTTTTTTTTACAAGGCTGTTTTCTTCACTGGTCACACTGAGGGTCTCACCACA[T>C]GCTCCAGCATCAGAAATGCAGACAGTTCTATCAAGCTGACTTTTTTGTGCAACAGGTTCA-3'
Protein context (NP_001263199.1, residues 285-305): DRTVCISDAG[Ala295=]CGETLSVTSE

ClinVar aggregate classification (germline): Benign/Likely benign. Review status: criteria provided, multiple submitters, no conflicts (2 of 4 stars). 3 submissions from 3 submitters: Benign (1); Likely benign (2). Last evaluated 2026-06-10.

Conditions:
Inborn genetic diseases. Identifiers: MedGen C0950123, MeSH D030342.
Tumor predisposition syndrome 2 (TPDS2). Also called: MBD4-ASSOCIATED NEOPLASIA SYNDROME; MBD4-Related Tumor Predisposition Syndrome; MBD4-associated neoplasia syndrome (MANS). Identifiers: Orphanet 661526, MedGen C5774186, MONDO:0859267, OMIM 619975.

Allele frequency attached by ClinVar (database versions not stated): gnomAD exomes below 0.00001; ExAC 0.00001; TOPMed 0.00001.

Submissions (3):

Myriad Genetics, Inc.
Classification: Benign for Tumor predisposition syndrome 2. Last evaluated: 2026-06-10. Review status: criteria provided, single submitter. Criteria: Myriad Autosomal Dominant, Autosomal Recessive and X-Linked Classification Criteria (2023). Collection method: clinical testing. Allele origin: unknown.
Comment: This variant is considered benign. This variant is a silent/synonymous amino acid change and it is not expected to impact splicing.

Labcorp Genetics (formerly Invitae), Labcorp
Classification: Likely benign. Last evaluated: 2025-09-10. Review status: criteria provided, single submitter. Criteria: Invitae Variant Classification Sherloc (09022015). Collection method: clinical testing. Allele origin: germline.

Ambry Genetics
Classification: Likely benign for Inborn genetic diseases. Last evaluated: 2024-12-07. Review status: criteria provided, single submitter. Criteria: Ambry Variant Classification Scheme 2023. Collection method: clinical testing. Allele origin: germline.